The following is an entry in ClinVar:

NM_007294.4(BRCA1):c.2255_2256dup (p.Ser753Ter)

Gene: BRCA1 (BRCA1 DNA repair associated; minus strand). Cytogenetic location: 17q21.31.
Variant type: Duplication.
Coding change: c.2255_2256dup on transcript NM_007294.4 (MANE Select); coding-DNA positions 2255 to 2256, 2 bases duplicated (TA; older notation c.2255_2256dupTA).
Protein change: p.Ser753Ter; replaces serine 753 with a stop codon.
Molecular consequence: nonsense. On other transcripts: frameshift variant (1), intron variant (137).
Genome position (GRCh38, 1-based): chr17:43,093,275-43,093,276, TA duplicated on the plus strand (TA on the coding strand, the reverse complement: BRCA1 is on the minus strand). VCF-style (leftmost placement, unchanged base first): chr17-43093274-T-TTA. GRCh37 (hg19) VCF-style: chr17-41245291-T-TTA.
Other names: 2375insTA; c.2255_2256dupTA (NM_007294.3); c.2114_2115dup, p.Ser706Ter (NM_001407751.1, NM_001407752.1, NM_001407850.1 and 29 more transcripts); c.2111_2112dup, p.Ser705Ter (NM_001407838.1, NM_001407839.1, NM_001407841.1 and 20 more transcripts); c.2042_2043dup, p.Ser682Ter (NM_001407853.1, NM_001407894.1, NM_001407895.1 and 9 more transcripts); c.2255_2256dup, p.Ser753Ter (NM_001407854.1, NM_001407858.1, NM_001407859.1 and 30 more transcripts); c.2252_2253dup, p.Ser752Ter (NM_001407860.1, NM_001407861.1, NM_001407590.1 and 22 more transcripts); c.2054_2055dup, p.Ser686Ter (NM_001407862.1); and 43 more; short protein forms S753*, S706*, S641*, S682*, S686*, S457*, S625*, S642*.
Identifiers: ClinVar variation 254409 (VCV000254409.4), dbSNP rs80357557, ClinGen allele CA001511.
Genomic context (GRCh38, chr17:43,093,274, plus strand): 5'-GTACCAATGAAATACTGCTACTCTCTACAGATCTTTCAGTTTGCAAAACCCTTTCTCCAC[T>TTA]TAACATGAGATCTTTGGGGTCTTCAGCATTATTAGACACTTTAACTGTTTCTAGTTTCTC-3'

ClinVar aggregate classification (germline): Pathogenic. Review status: reviewed by expert panel (3 of 4 stars). 3 submissions from 3 submitters: Pathogenic (1). 2 of the submissions do not count toward it. Last evaluated 2016-09-08.

Conditions:
Hereditary cancer-predisposing syndrome. Also called: Hereditary Cancer Syndrome; Neoplastic Syndromes, Hereditary; Hereditary neoplastic syndrome; Tumor predisposition. Identifiers: Orphanet 140162, MedGen C0027672, MeSH D009386, MONDO:0015356.
Breast-ovarian cancer, familial, susceptibility to, 1 (BROVCA1). Also called: BRCA1 Hereditary Breast and Ovarian Cancer; OVARIAN CANCER, SUSCEPTIBILITY TO. Identifiers: Orphanet 145, MedGen C2676676, MONDO:0011450, OMIM 604370. Disease mechanism: loss of function.

Submissions (3):

Evidence-based Network for the Interpretation of Germline Mutant Alleles (ENIGMA)
Classification: Pathogenic for Breast-ovarian cancer, familial, susceptibility to, 1. Last evaluated: 2016-09-08. Review status: reviewed by expert panel. Criteria: ENIGMA BRCA1/2 Classification Criteria (2015). Collection method: curation. Allele origin: germline.
Comment: Variant allele predicted to encode a truncated non-functional protein.

Ambry Genetics
Classification: Pathogenic for Hereditary cancer-predisposing syndrome. Last evaluated: 2026-06-08. Review status: criteria provided, single submitter. Criteria: Ambry Variant Classification Scheme 2023. Collection method: clinical testing. Allele origin: germline. Not counted in ClinVar's aggregate classification.
Comment: The c.2255_2256dupTA pathogenic mutation, located in coding exon 9 of the BRCA1 gene, results from a duplication of TA at nucleotide position 2255, causing a translational frameshift with a predicted alternate stop codon (p.S753*). This variant is considered to be rare based on population cohorts in the Genome Aggregation Database (gnomAD). This alteration is expected to result in loss of function by premature protein truncation or nonsense-mediated mRNA decay. As such, this alteration is interpreted as a disease-causing mutation.

Breast Cancer Information Core (BIC) (BRCA1)
Classification: Pathogenic for Breast-ovarian cancer, familial 1. Last evaluated: 2004-11-25. Review status: no assertion criteria provided. Collection method: clinical testing. Allele origin: germline. Affected: yes. Observed: 1 variant allele. Not counted in ClinVar's aggregate classification.